The following is an entry in ClinVar:

ClinVar aggregate classification (germline): Benign/Likely benign. Review status: criteria provided, multiple submitters, no conflicts (2 of 4 stars). 3 submissions from 3 submitters: Benign (1); Likely benign (2). Last evaluated 2026-06-17.

Conditions:
Polyps, multiple and recurrent inflammatory fibroid, gastrointestinal. Identifiers: MedGen C5193005, MONDO:0008285, OMIM 175510.
Hereditary cancer-predisposing syndrome. Also called: Neoplastic Syndromes, Hereditary; Hereditary Cancer Syndrome; Hereditary neoplastic syndrome; Tumor predisposition. Identifiers: Orphanet 140162, MedGen C0027672, MeSH D009386, MONDO:0015356.
Gastrointestinal stromal tumor. Also called: Gastrointestinal stromal tumor, somatic; Gastrointestinal stroma tumor. Identifiers: Orphanet 44890, MedGen C0238198, MeSH D046152, MONDO:0011719, OMIM 606764, HP:0100723.

Allele frequency attached by ClinVar (database versions not stated): gnomAD exomes below 0.00001.
gnomAD v4.1: 1 of 1,586,038 alleles (0.000063%); highest among the groups gnomAD compares: Non-Finnish European, 0.000087%; no homozygotes.

Submissions (3):

Myriad Genetics, Inc.
Classification: Benign for Polyps, multiple and recurrent inflammatory fibroid, gastrointestinal. Last evaluated: 2026-06-17. Review status: criteria provided, single submitter. Criteria: Myriad Autosomal Dominant, Autosomal Recessive and X-Linked Classification Criteria (2023). Collection method: clinical testing. Allele origin: unknown.
Comment: This variant is considered benign. This variant is a silent/synonymous amino acid change and it is not expected to impact splicing.

Labcorp Genetics (formerly Invitae), Labcorp
Classification: Likely benign for Gastrointestinal stromal tumor. Last evaluated: 2025-11-24. Review status: criteria provided, single submitter. Criteria: Invitae Variant Classification Sherloc (09022015). Collection method: clinical testing. Allele origin: germline.

Ambry Genetics
Classification: Likely benign for Hereditary cancer-predisposing syndrome. Last evaluated: 2019-02-15. Review status: criteria provided, single submitter. Criteria: Ambry Variant Classification Scheme 2023. Collection method: clinical testing. Allele origin: germline.

NM_006206.6(PDGFRA):c.2397C>T (p.Thr799=)

Gene: PDGFRA (platelet derived growth factor receptor alpha; plus strand). Cytogenetic location: 4q12.
Variant type: single nucleotide variant.
Coding change: c.2397C>T on transcript NM_006206.6 (MANE Select); coding-DNA position 2397, C replaced by T.
Protein change: p.Thr799=; no amino-acid change (threonine 799 retained).
Molecular consequence: synonymous variant.
Genome position (GRCh38, 1-based): chr4:54,285,444, C>T. VCF-style: chr4-54285444-C-T. GRCh37 (hg19) VCF-style: chr4-55151611-C-T.
Other names: c.2472C>T, p.Thr824= (NM_001347828.2); c.2397C>T, p.Thr799= (NM_001347829.2); c.2436C>T, p.Thr812= (NM_001347830.2).
Identifiers: ClinVar variation 821213 (VCV000821213.14), dbSNP rs1560488978, ClinGen allele CA439287699.